The following is an entry in ClinVar:

ClinVar aggregate classification (germline): Uncertain significance (1 of 4 stars; one submission).

Submission:

Labcorp Genetics (formerly Invitae), Labcorp
Classification: Uncertain significance. Last evaluated: 2025-10-01. Review status: criteria provided, single submitter. Criteria: Invitae Variant Classification Sherloc (09022015). Collection method: clinical testing. Allele origin: germline.
Comment: This sequence change replaces methionine, which is neutral and non-polar, with valine, which is neutral and non-polar, at codon 1382 of the TENM3 protein (p.Met1382Val). This variant is not present in population databases (gnomAD no frequency). This variant has not been reported in the literature in individuals affected with TENM3-related conditions. Invitae Evidence Modeling of protein sequence and biophysical properties (such as structural, functional, and spatial information, amino acid conservation, physicochemical variation, residue mobility, and thermodynamic stability) indicates that this missense variant is not expected to disrupt TENM3 protein function with a negative predictive value of 80%. In summary, the available evidence is currently insufficient to determine the role of this variant in disease. Therefore, it has been classified as a Variant of Uncertain Significance.

NM_001080477.4(TENM3):c.4144A>G (p.Met1382Val)

Gene: TENM3 (teneurin transmembrane protein 3; plus strand). Cytogenetic location: 4q35.1.
Variant type: single nucleotide variant.
Coding change: c.4144A>G on transcript NM_001080477.4 (MANE Select); coding-DNA position 4144, A replaced by G.
Protein change: p.Met1382Val; replaces methionine 1382 with valine.
Molecular consequence: missense variant.
Genome position (GRCh38, 1-based): chr4:182,754,511, A>G. VCF-style: chr4-182754511-A-G. GRCh37 (hg19) VCF-style: chr4-183675664-A-G.
Other names: c.3376A>G, p.Met1126Val (NM_001415960.1); c.3349A>G, p.Met1117Val (NM_001415961.1); c.3346A>G, p.Met1116Val (NM_001415962.1); c.3328A>G, p.Met1110Val (NM_001415963.1); c.3325A>G, p.Met1109Val (NM_001415964.1); c.3862A>G, p.Met1288Val (NM_001415966.1); c.3886A>G, p.Met1296Val (NM_001415967.1); c.4162A>G, p.Met1388Val (NM_001415968.1); and 4 more; short protein forms M1288V, M1382V, M1117V, M1388V, M1381V, M1109V, M1110V, M1116V.
Identifiers: ClinVar variation 4696290 (VCV004696290.1).
Genomic context (GRCh38, chr4:182,754,511, plus strand): 5'-AATAATGTAGTTTTACAGATCACTGAAAATCGTCAAGTTCGCATTGCTGCTGGACGGCCC[A>G]TGCACTGTCAGGTTCCCGGAGTGGAATATCCTGTGGGGAAGCACGCGGTGCAGACAACAC-3'
Protein context (NP_001073946.1, residues 1372-1392): RQVRIAAGRP[Met1382Val]HCQVPGVEYP